The following is an entry in ClinVar:

NM_001165963.4(SCN1A):c.1745dup (p.Asp583fs)

Gene: SCN1A (sodium voltage-gated channel alpha subunit 1; minus strand). Cytogenetic location: 2q24.3.
Variant type: Duplication.
Coding change: c.1745dup on transcript NM_001165963.4 (MANE Select); coding-DNA position 1745, one base duplicated (A; older notation c.1745dupA).
Protein change: p.Asp583fs; shifts the reading frame from aspartic acid 583.
Molecular consequence: frameshift variant. On other transcripts: 5 prime UTR variant (1), non-coding transcript variant (1).
Genome position (GRCh38, 1-based): chr2:166,043,967, T duplicated on the plus strand (A on the coding strand, the reverse complement: SCN1A is on the minus strand); the first of 3 consecutive T bases (chr2:166,043,967-166,043,969); duplicating any one gives the same sequence. VCF-style (leftmost placement, unchanged base first): chr2-166043966-C-CT. GRCh37 (hg19) VCF-style: chr2-166900476-C-CT.
Other names: c.1745dup, p.Asp583fs (NM_001165964.3, NM_006920.6, NM_001202435.3 and 7 more transcripts); c.1742dup, p.Asp582fs (NM_001353960.2, NM_001353954.2, NM_001353955.2); c.-681dup (NM_001353961.2); short protein forms D583fs, D582fs.
Identifiers: ClinVar variation 1391301 (VCV001391301.7), dbSNP rs2105844138, ClinGen allele CA2573133536.
Genomic context (GRCh38, chr2:166,043,966, plus strand): 5'-CTCGTTATCCTCAAAGGTGCTGTGCTCATCATCTGCGAAGTCGTTCTCAGATCCCACATC[C>CT]TTTGCTCGCCCTCTAAAGCTGAAAAGGCTTGTTCTGCTATTTCGCCTTGGTGAAAATAGG-3'

ClinVar aggregate classification (germline): Pathogenic (1 of 4 stars; one submission).

Conditions:
Early-infantile DEE. Also called: Early infantile epileptic encephalopathy with suppression bursts; Early infantile epileptic encephalopathy; Ohtahara syndrome. Identifiers: Orphanet 1934, MedGen C0393706, MONDO:0800491.

Submission:

Labcorp Genetics (formerly Invitae), Labcorp
Classification: Pathogenic for Early-infantile DEE. Last evaluated: 2021-06-16. Review status: criteria provided, single submitter. Criteria: Invitae Variant Classification Sherloc (09022015). Collection method: clinical testing. Allele origin: germline.
Comment: For these reasons, this variant has been classified as Pathogenic. This variant has not been reported in the literature in individuals with SCN1A-related conditions. This variant is not present in population databases (ExAC no frequency). This sequence change creates a premature translational stop signal (p.Asp583Glyfs*5) in the SCN1A gene. It is expected to result in an absent or disrupted protein product. Loss-of-function variants in SCN1A are known to be pathogenic (PMID: 17347258, 18930999).

Literature cited by the submitters: PubMed 17347258; PubMed 18930999.